The following is an entry in ClinVar:

NM_182914.3(SYNE2):c.1106C>T (p.Ala369Val)

Gene: SYNE2 (spectrin repeat containing nuclear envelope protein 2; plus strand). Cytogenetic location: 14q23.2.
Variant type: single nucleotide variant.
Coding change: c.1106C>T on transcript NM_182914.3 (MANE Select); coding-DNA position 1106, C replaced by T.
Protein change: p.Ala369Val; replaces alanine 369 with valine.
Molecular consequence: missense variant.
Genome position (GRCh38, 1-based): chr14:63,967,824, C>T. VCF-style: chr14-63967824-C-T. GRCh37 (hg19) VCF-style: chr14-64434542-C-T.
Other names: c.1106C>T, p.Ala369Val (NM_015180.6); short protein forms A369V.
Identifiers: ClinVar variation 1429371 (VCV001429371.6), dbSNP rs550699600, ClinGen allele CA7219320.
Genomic context (GRCh38, chr14:63,967,824, plus strand): 5'-TCCTGTCAATAAAACGGGATCTGGATGAGCTGGACAAGGATCATTTACAGTTGAGAGAAG[C>T]CTGGGATGGCCTCGATCACCAGGTGACTGTTTGTGTTGATTAGAAGAATATTTTCAGGCC-3'
Protein context (NP_878918.2, residues 359-379): LDKDHLQLRE[Ala369Val]WDGLDHQINA

ClinVar aggregate classification (germline): Uncertain significance (1 of 4 stars; one submission).

Conditions:
Emery-Dreifuss muscular dystrophy 5, autosomal dominant (EDMD5). Also called: EMERY-DREIFUSS MUSCULAR DYSTROPHY 5. Identifiers: Orphanet 261, MedGen C2751805, MONDO:0013072, OMIM 612999.

Allele frequency attached by ClinVar (database versions not stated): gnomAD exomes below 0.00001; ExAC 0.00001; gnomAD 0.00002 and 0.00003; TOPMed 0.00005; 1000 Genomes Project 30x 0.00016; 1000 Genomes Project 0.00020.
gnomAD v4.1: 9 of 1,614,004 alleles (0.00056%); highest among the groups gnomAD compares: African/African-American, 0.012%; no homozygotes.

Submission:

Labcorp Genetics (formerly Invitae), Labcorp
Classification: Uncertain significance for Emery-Dreifuss muscular dystrophy 5, autosomal dominant. Last evaluated: 2024-11-10. Review status: criteria provided, single submitter. Criteria: Invitae Variant Classification Sherloc (09022015). Collection method: clinical testing. Allele origin: germline.
Comment: This sequence change replaces alanine, which is neutral and non-polar, with valine, which is neutral and non-polar, at codon 369 of the SYNE2 protein (p.Ala369Val). The frequency data for this variant in the population databases is considered unreliable, as metrics indicate poor data quality at this position in the gnomAD database. This variant has not been reported in the literature in individuals affected with SYNE2-related conditions. ClinVar contains an entry for this variant (Variation ID: 1429371). An algorithm developed to predict the effect of missense changes on protein structure and function (PolyPhen-2) suggests that this variant is likely to be disruptive. In summary, the available evidence is currently insufficient to determine the role of this variant in disease. Therefore, it has been classified as a Variant of Uncertain Significance.